The following is an entry in ClinVar:

NM_002230.4(JUP):c.2045C>T (p.Ala682Val)

Gene: JUP (junction plakoglobin; minus strand). Cytogenetic location: 17q21.2.
Variant type: single nucleotide variant.
Coding change: c.2045C>T on transcript NM_002230.4 (MANE Select); coding-DNA position 2045, C replaced by T.
Protein change: p.Ala682Val; replaces alanine 682 with valine.
Molecular consequence: missense variant.
Genome position (GRCh38, 1-based): chr17:41,757,416, G>A on the plus strand (C>T on the coding strand, the complement: JUP is on the minus strand). VCF-style: chr17-41757416-G-A. GRCh37 (hg19) VCF-style: chr17-39913668-G-A.
Other names: c.2045C>T, p.Ala682Val (NM_001352773.2, NM_001352774.2, NM_001352775.2 and 3 more transcripts); short protein forms A682V.
Identifiers: ClinVar variation 2005149 (VCV002005149.4), dbSNP rs2544031373, ClinGen allele CA399491667.

ClinVar aggregate classification (germline): Uncertain significance (1 of 4 stars; one submission).

Conditions:
Arrhythmogenic right ventricular dysplasia 12. Also called: ARRHYTHMOGENIC RIGHT VENTRICULAR DYSPLASIA, FAMILIAL, 12. Identifiers: MedGen C1969081, MONDO:0012684, OMIM 611528.
Naxos disease (NXD). Also called: PALMOPLANTAR KERATODERMA WITH ARRHYTHMOGENIC RIGHT VENTRICULAR CARDIOMYOPATHY AND WOOLLY HAIR; WOOLLY HAIR, PALMOPLANTAR KERATODERMA, AND CARDIAC ABNORMALITIES; KERATOSIS PALMOPLANTARIS WITH ARRHYTHMOGENIC CARDIOMYOPATHY; MAL DE NAXOS; CARDIOMYOPATHY, ARRHYTHMOGENIC RIGHT VENTRICULAR, WITH SKIN, HAIR, AND NAIL ABNORMALITIES. Identifiers: Orphanet 34217, MedGen C1832600, MONDO:0011017, OMIM 601214.

Submission:

Labcorp Genetics (formerly Invitae), Labcorp
Classification: Uncertain significance for Arrhythmogenic right ventricular dysplasia 12; Naxos disease. Last evaluated: 2022-06-12. Review status: criteria provided, single submitter. Criteria: Invitae Variant Classification Sherloc (09022015). Collection method: clinical testing. Allele origin: germline.
Comment: In summary, the available evidence is currently insufficient to determine the role of this variant in disease. Therefore, it has been classified as a Variant of Uncertain Significance. Algorithms developed to predict the effect of sequence changes on RNA splicing suggest that this variant may create or strengthen a splice site. Algorithms developed to predict the effect of missense changes on protein structure and function (SIFT, PolyPhen-2, Align-GVGD) all suggest that this variant is likely to be tolerated. This variant has not been reported in the literature in individuals affected with JUP-related conditions. This variant is not present in population databases (gnomAD no frequency). This sequence change replaces alanine, which is neutral and non-polar, with valine, which is neutral and non-polar, at codon 682 of the JUP protein (p.Ala682Val).